The following is an entry in ClinVar:

NM_001288705.3(CSF1R):c.2329C>T (p.Arg777Trp)

Gene: CSF1R (colony stimulating factor 1 receptor; minus strand). Cytogenetic location: 5q32.
Variant type: single nucleotide variant.
Coding change: c.2329C>T on transcript NM_001288705.3 (MANE Select); coding-DNA position 2329, C replaced by T.
Protein change: p.Arg777Trp; replaces arginine 777 with tryptophan.
Molecular consequence: missense variant. On other transcripts: non-coding transcript variant (2).
Genome position (GRCh38, 1-based): chr5:150,056,332, G>A on the plus strand (C>T on the coding strand, the complement: CSF1R is on the minus strand). VCF-style: chr5-150056332-G-A. GRCh37 (hg19) VCF-style: chr5-149435895-G-A.
Other names: c.2329C>T, p.Arg777Trp (NM_001349736.2, NM_001375320.1, NM_005211.4); c.1885C>T, p.Arg629Trp (NM_001375321.1); short protein forms R777W, R629W.
Identifiers: ClinVar variation 65685 (VCV000065685.11), dbSNP rs397515556, ClinGen allele CA345024.

ClinVar aggregate classification (germline): Pathogenic/Likely pathogenic. Review status: criteria provided, multiple submitters, no conflicts (2 of 4 stars). 3 submissions from 3 submitters: Pathogenic (1); Likely pathogenic (1). 1 of the submissions does not count toward it. Last evaluated 2023-11-16.

Conditions:
CSF1R-related disorder. Also called: CSF1R-related condition. Identifiers: MedGen CN379780, MONDO:0100632.
Hereditary diffuse leukoencephalopathy with spheroids. Also called: LEUKOENCEPHALOPATHY, ADULT-ONSET, WITH AXONAL SPHEROIDS AND PIGMENTED GLIA. Identifiers: Orphanet 313808, MedGen C3711381, MONDO:0030796.

Submissions (3):

Labcorp Genetics (formerly Invitae), Labcorp
Classification: Pathogenic. Last evaluated: 2023-11-16. Review status: criteria provided, single submitter. Criteria: Invitae Variant Classification Sherloc (09022015). Collection method: clinical testing. Allele origin: germline.
Comment: This sequence change replaces arginine, which is basic and polar, with tryptophan, which is neutral and slightly polar, at codon 777 of the CSF1R protein (p.Arg777Trp). This variant is not present in population databases (gnomAD no frequency). This missense change has been observed in individuals with autosomal dominant CSF1R-related conditions (PMID: 23038421, 23649896, 30268725, 35119108). ClinVar contains an entry for this variant (Variation ID: 65685). Advanced modeling of protein sequence and biophysical properties (such as structural, functional, and spatial information, amino acid conservation, physicochemical variation, residue mobility, and thermodynamic stability) has been performed at Invitae for this missense variant, however the output from this modeling did not meet the statistical confidence thresholds required to predict the impact of this variant on CSF1R protein function. This variant disrupts the p.Arg777 amino acid residue in CSF1R. Other variant(s) that disrupt this residue have been determined to be pathogenic (PMID: 23649896, 24034409, 24198292). This suggests that this residue is clinically significant, and that variants that disrupt this residue are likely to be disease-causing. For these reasons, this variant has been classified as Pathogenic.

Blueprint Genetics
Classification: Likely pathogenic for CSF1R-related disorders. Last evaluated: 2019-07-24. Review status: criteria provided, single submitter. Criteria: ACMG Guidelines, 2015. Collection method: clinical testing. Allele origin: germline. Affected: yes. Observed: 2 variant alleles.

GeneReviews
No classification provided. Condition: Hereditary diffuse leukoencephalopathy with spheroids. Review status: no classification provided. Collection method: literature only. Allele origin: germline. Affected: yes. Not counted in ClinVar's aggregate classification.

Literature cited by the submitters: PubMed 23038421 (cited by Labcorp Genetics (formerly Invitae), Labcorp); PubMed 23649896 (cited by Labcorp Genetics (formerly Invitae), Labcorp and GeneReviews); PubMed 30268725 (cited by Labcorp Genetics (formerly Invitae), Labcorp); PubMed 35119108 (cited by Labcorp Genetics (formerly Invitae), Labcorp); PubMed 24034409 (cited by Labcorp Genetics (formerly Invitae), Labcorp); PubMed 24198292 (cited by Labcorp Genetics (formerly Invitae), Labcorp); NCBI Bookshelf NBK100239 (cited by GeneReviews).